The following is an entry in ClinVar:

ClinVar aggregate classification (germline): Pathogenic (1 of 4 stars; one submission).

Submission:

Labcorp Genetics (formerly Invitae), Labcorp
Classification: Pathogenic. Last evaluated: 2026-01-08. Review status: criteria provided, single submitter. Criteria: Invitae Variant Classification Sherloc (09022015). Collection method: clinical testing. Allele origin: germline.
Comment: This sequence change creates a premature translational stop signal (p.Arg238Thrfs*36) in the UBE3B gene. It is expected to result in an absent or disrupted protein product. Loss-of-function variants in UBE3B are known to be pathogenic (PMID: 23687348, 24615390). This variant is not present in population databases (gnomAD no frequency). This variant has not been reported in the literature in individuals affected with UBE3B-related conditions. For these reasons, this variant has been classified as Pathogenic.

Literature cited by the submitters: PubMed 23687348; PubMed 24615390.

NM_130466.4(UBE3B):c.711dup (p.Arg238fs)

Gene: UBE3B (ubiquitin protein ligase E3B; plus strand). Cytogenetic location: 12q24.11.
Variant type: Duplication.
Coding change: c.711dup on transcript NM_130466.4 (MANE Select); coding-DNA position 711, one base duplicated (A; older notation c.711dupA).
Protein change: p.Arg238fs; shifts the reading frame from arginine 238.
Molecular consequence: frameshift variant.
Genome position (GRCh38, 1-based): chr12:109,491,125, A duplicated. VCF-style (leftmost placement, unchanged base first): chr12-109491124-T-TA. GRCh37 (hg19) VCF-style: chr12-109928929-T-TA.
Other names: c.711dup, p.Arg238fs (NM_183415.3); short protein forms R238fs.
Identifiers: ClinVar variation 4807786 (VCV004807786.1).
Genomic context (GRCh38, chr12:109,491,124, plus strand): 5'-TGGCAAGACCCCGTCCTTGTCTATCCAAAGGCACTTTAACAGCAGCTTTTTCTCTAGCGT[T>TA]ACGGTGAGTAAGAAACCATAGCTGAGGTGTTGGCATGTTCTTGAATGCTTCCTCCTCTTG-3'